The following is an entry in ClinVar:

NM_001365999.1(SZT2):c.3713C>T (p.Pro1238Leu)

Gene: SZT2 (SZT2 subunit of KICSTOR complex; plus strand). Cytogenetic location: 1p34.2.
Variant type: single nucleotide variant.
Coding change: c.3713C>T on transcript NM_001365999.1 (MANE Select); coding-DNA position 3713, C replaced by T.
Protein change: p.Pro1238Leu; replaces proline 1238 with leucine.
Molecular consequence: missense variant.
Genome position (GRCh38, 1-based): chr1:43,427,644, C>T. VCF-style: chr1-43427644-C-T. GRCh37 (hg19) VCF-style: chr1-43893315-C-T.
Other names: c.3542C>T (NM_015284.3); c.3542C>T, p.Pro1181Leu (NM_015284.4); short protein forms P1181L, P1238L.
Identifiers: ClinVar variation 1401183 (VCV001401183.6), dbSNP rs762675785, ClinGen allele CA809072.
Genomic context (GRCh38, chr1:43,427,644, plus strand): 5'-CTTACGCTGGGCGTCAGGCTTCCCAGACAGAGAGTGCGGATGGGCCCCGGACCCGGTGTC[C>T]TGTCTACATCTACAGCTGTTCACTGGAAGCGCTGAGGGAACAAATGGTTGGCATGCAGCC-3'
Protein context (NP_001352928.1, residues 1228-1248): ESADGPRTRC[Pro1238Leu]VYIYSCSLEA

ClinVar aggregate classification (germline): Uncertain significance. Review status: criteria provided, multiple submitters, no conflicts (2 of 4 stars). 3 submissions from 3 submitters: Uncertain significance (3). Last evaluated 2026-04-14.

Conditions:
Inborn genetic diseases. Identifiers: MedGen C0950123, MeSH D030342.

Allele frequency attached by ClinVar (database versions not stated): TOPMed 0.00002; ExAC 0.00003; gnomAD exomes 0.00004.
gnomAD v4.1: 10 of 1,614,222 alleles (0.00062%); highest among the groups gnomAD compares: Admixed American, 0.017%; no homozygotes.

Submissions (3):

GeneDx
Classification: Uncertain significance. Last evaluated: 2026-04-14. Review status: criteria provided, single submitter. Criteria: GeneDx Variant Classification Process June 2021. Collection method: clinical testing. Allele origin: germline.
Comment: In silico analysis supports that this missense variant has a deleterious effect on protein structure/function; Has not been previously published as pathogenic or benign to our knowledge

Ambry Genetics
Classification: Uncertain significance for Inborn genetic diseases. Last evaluated: 2025-09-03. Review status: criteria provided, single submitter. Criteria: Ambry Variant Classification Scheme 2023. Collection method: clinical testing. Allele origin: germline.

Labcorp Genetics (formerly Invitae), Labcorp
Classification: Uncertain significance. Last evaluated: 2022-10-03. Review status: criteria provided, single submitter. Criteria: Invitae Variant Classification Sherloc (09022015). Collection method: clinical testing. Allele origin: germline.
Comment: This sequence change replaces proline, which is neutral and non-polar, with leucine, which is neutral and non-polar, at codon 1181 of the SZT2 protein (p.Pro1181Leu). This variant is present in population databases (rs762675785, gnomAD 0.03%). This variant has not been reported in the literature in individuals affected with SZT2-related conditions. ClinVar contains an entry for this variant (Variation ID: 1401183). Advanced modeling of protein sequence and biophysical properties (such as structural, functional, and spatial information, amino acid conservation, physicochemical variation, residue mobility, and thermodynamic stability) performed at Invitae indicates that this missense variant is expected to disrupt SZT2 protein function. In summary, the available evidence is currently insufficient to determine the role of this variant in disease. Therefore, it has been classified as a Variant of Uncertain Significance.